The following is an entry in ClinVar:

ClinVar aggregate classification (germline): Likely benign. Review status: criteria provided, multiple submitters, no conflicts (2 of 4 stars). 2 submissions from 2 submitters: Likely benign (2). Last evaluated 2022-10-01.

Allele frequency attached by ClinVar (database versions not stated): 1000 Genomes Project 30x 0.00031; ExAC 0.00062; gnomAD 0.00064; TOPMed 0.00078; gnomAD exomes 0.00095; ESP Exome Variant Server 0.00119.
gnomAD v4.1: 1,477 of 1,612,814 alleles (0.092%); highest among the groups gnomAD compares: Admixed American, 0.14%; 3 homozygotes.

Submissions (2):

CeGaT Center for Human Genetics Tuebingen
Classification: Likely benign. Last evaluated: 2022-10-01. Review status: criteria provided, single submitter. Criteria: CeGaT Center For Human Genetics Tuebingen Variant Classification Criteria Version 2. Collection method: clinical testing. Allele origin: germline. Affected: yes. Observed: 1 variant allele.
Comment: NCOR2: BP4

Ambry Genetics
Classification: Likely benign. Last evaluated: 2022-03-29. Review status: criteria provided, single submitter. Criteria: Ambry Variant Classification Scheme 2023. Collection method: clinical testing. Allele origin: germline.

NM_006312.6(NCOR2):c.6712G>A (p.Val2238Met)

Gene: NCOR2 (nuclear receptor corepressor 2; minus strand). Cytogenetic location: 12q24.31.
Variant type: single nucleotide variant.
Coding change: c.6712G>A on transcript NM_006312.6 (MANE Select); coding-DNA position 6712, G replaced by A.
Protein change: p.Val2238Met; replaces valine 2238 with methionine.
Molecular consequence: missense variant.
Genome position (GRCh38, 1-based): chr12:124,333,173, C>T on the plus strand (G>A on the coding strand, the complement: NCOR2 is on the minus strand). VCF-style: chr12-124333173-C-T. GRCh37 (hg19) VCF-style: chr12-124817719-C-T.
Other names: c.6682G>A, p.Val2228Met (NM_001077261.4, NM_001206654.2); short protein forms V2238M, V2228M.
Identifiers: ClinVar variation 2235883 (VCV002235883.26), dbSNP rs201904368, ClinGen allele CA6867391.